The following is an entry in ClinVar:

NM_176787.5(PIGN):c.2522T>C (p.Leu841Pro)

Gene: PIGN (phosphatidylinositol glycan anchor biosynthesis class N; minus strand). Cytogenetic location: 18q21.33.
Variant type: single nucleotide variant.
Coding change: c.2522T>C on transcript NM_176787.5 (MANE Select); coding-DNA position 2522, T replaced by C.
Protein change: p.Leu841Pro; replaces leucine 841 with proline.
Molecular consequence: missense variant.
Genome position (GRCh38, 1-based): chr18:62,082,727, A>G on the plus strand (T>C on the coding strand, the complement: PIGN is on the minus strand). VCF-style: chr18-62082727-A-G. GRCh37 (hg19) VCF-style: chr18-59749960-A-G.
Other names: c.2522T>C, p.Leu841Pro (NM_012327.6); short protein forms L841P.
Identifiers: ClinVar variation 1437759 (VCV001437759.3), dbSNP rs2145912279, ClinGen allele CA402600965.
Genomic context (GRCh38, chr18:62,082,727, plus strand): 5'-TCTTACCTTTTTGACGATAACTGAGTAGTCAACTGAACTGCTTCAAAAGCACACATAACA[A>G]GAACAAAGGGGATTAAAATCTGTAAAAGAACAATAAATGATGCAAGGAATAACTGAAGCA-3'
Protein context (NP_789744.1, residues 831-851): MMWKILIPFV[Leu841Pro]VMCAFEAVQL

ClinVar aggregate classification (germline): Uncertain significance (1 of 4 stars; one submission).

Conditions:
Multiple congenital anomalies-hypotonia-seizures syndrome 1 (MCAHS1). Also called: PIGN-CDG; Congenital disorder of glycosylation due to PIGN deficiency; GLYCOSYLPHOSPHATIDYLINOSITOL BIOSYNTHESIS DEFECT 3. Identifiers: Orphanet 280633, MedGen C3279775, MONDO:0013563, OMIM 614080.

Submission:

Labcorp Genetics (formerly Invitae), Labcorp
Classification: Uncertain significance for Multiple congenital anomalies-hypotonia-seizures syndrome 1. Last evaluated: 2021-11-19. Review status: criteria provided, single submitter. Criteria: Invitae Variant Classification Sherloc (09022015). Collection method: clinical testing. Allele origin: germline.
Comment: This sequence change replaces leucine, which is neutral and non-polar, with proline, which is neutral and non-polar, at codon 841 of the PIGN protein (p.Leu841Pro). This variant is not present in population databases (gnomAD no frequency). This variant has not been reported in the literature in individuals affected with PIGN-related conditions. Algorithms developed to predict the effect of missense changes on protein structure and function are either unavailable or do not agree on the potential impact of this missense change (SIFT: "Not Available"; PolyPhen-2: "Probably Damaging"; Align-GVGD: "Not Available"). In summary, the available evidence is currently insufficient to determine the role of this variant in disease. Therefore, it has been classified as a Variant of Uncertain Significance.